The following is an entry in ClinVar:

NC_000011.10:g.530614G>C

Genes: HRAS (HRas proto-oncogene, GTPase; minus strand), LRRC56 (leucine rich repeat containing 56; plus strand). Cytogenetic location: 11p15.5.
Variant type: single nucleotide variant.
Genome position: GRCh38 VCF-style: chr11-530614-G-C. GRCh37 (hg19) VCF-style: chr11-530614-G-C.
Identifiers: ClinVar variation 2641062 (VCV002641062.24), dbSNP rs77431035, ClinGen allele CA216941460.

ClinVar aggregate classification (germline): Likely benign (1 of 4 stars; one submission).

Submission:

CeGaT Center for Human Genetics Tuebingen
Classification: Likely benign. Last evaluated: 2023-05-01. Review status: criteria provided, single submitter. Criteria: CeGaT Center For Human Genetics Tuebingen Variant Classification Criteria Version 2. Collection method: clinical testing. Allele origin: germline. Affected: yes. Observed: 3 variant alleles.
Comment: HRAS: BS1